The following is an entry in ClinVar:

ClinVar aggregate classification (germline): Uncertain significance (1 of 4 stars; one submission).

gnomAD v4.1: 1 of 1,597,422 alleles (0.000063%); highest among the groups gnomAD compares: Admixed American, 0.0017%; no homozygotes.

Submission:

Labcorp Genetics (formerly Invitae), Labcorp
Classification: Uncertain significance. Last evaluated: 2025-05-23. Review status: criteria provided, single submitter. Criteria: Invitae Variant Classification Sherloc (09022015). Collection method: clinical testing. Allele origin: germline.
Comment: This sequence change replaces arginine, which is basic and polar, with leucine, which is neutral and non-polar, at codon 2356 of the SPEG protein (p.Arg2356Leu). The frequency data for this variant in the population databases is considered unreliable, as metrics indicate poor data quality at this position in the gnomAD database. This variant has not been reported in the literature in individuals affected with SPEG-related conditions. An algorithm developed to predict the effect of missense changes on protein structure and function (PolyPhen-2) suggests that this variant is likely to be disruptive. In summary, the available evidence is currently insufficient to determine the role of this variant in disease. Therefore, it has been classified as a Variant of Uncertain Significance.

NM_005876.5(SPEG):c.7067G>T (p.Arg2356Leu)

Genes: ASIC4-AS1 (ASIC4 antisense RNA 1; minus strand), SPEG (striated muscle enriched protein kinase; plus strand). Cytogenetic location: 2q35.
Variant type: single nucleotide variant.
Coding change: c.7067G>T on transcript NM_005876.5 (MANE Select); coding-DNA position 7067, G replaced by T.
Protein change: p.Arg2356Leu; replaces arginine 2356 with leucine.
Molecular consequence: missense variant.
Genome position (GRCh38, 1-based): chr2:219,484,530, G>T. VCF-style: chr2-219484530-G-T. GRCh37 (hg19) VCF-style: chr2-220349252-G-T.
Other names: short protein forms R2356L.
Identifiers: ClinVar variation 4764944 (VCV004764944.1).
Genomic context (GRCh38, chr2:219,484,530, plus strand): 5'-AGTTCAAGCGCAGCCGCGAGTCGCCCCTGTCGCTGGGGCTGCGGCTGCTGAGCCGTTCGC[G>T]CTCGGAGGAGCGCGGCCCCTTCCGTGGGGCCGAGGAGGAGGATGGCATATACCGGCCCAG-3'
Protein context (NP_005867.3, residues 2346-2366): SLGLRLLSRS[Arg2356Leu]SEERGPFRGA